The following is an entry in ClinVar:

NC_000017.10:g.(?_29422048)_(29510472_?)dup

Gene: NF1 (neurofibromin 1; plus strand). Cytogenetic location: 17q11.2.
Variant type: Duplication.
Identifiers: ClinVar variation 1041200 (VCV001041200.2).

ClinVar aggregate classification (germline): Uncertain significance (1 of 4 stars; one submission).

Conditions:
Neurofibromatosis, type 1 (NF1). Also called: VON RECKLINGHAUSEN DISEASE; NEUROFIBROMATOSIS, TYPE I, SOMATIC; Peripheral type neurofibromatosis; Neurofibromatosis, type I. Identifiers: Orphanet 636, MedGen C0027831, MONDO:0018975, OMIM 162200. Disease mechanism: loss of function.

Submission:

Labcorp Genetics (formerly Invitae), Labcorp
Classification: Uncertain significance for Neurofibromatosis, type 1. Last evaluated: 2020-07-23. Review status: criteria provided, single submitter. Criteria: Invitae Variant Classification Sherloc (09022015). Collection method: clinical testing. Allele origin: germline.
Comment: This variant results in a copy number gain of the genomic region encompassing exons 1-8 of the NF1 gene, which includes the initiator codon. The 5' end of this event is unknown as it extends beyond the assayed region for this gene and therefore may encompass additional genes. The 3' boundary is likely confined to intron 8 of the NF1 gene. As the precise location of this event is unknown, it may be in tandem or it may be located elsewhere in the genome. This variant has not been reported in the literature in individuals with NF1-related conditions. Experimental studies and prediction algorithms are not available or were not evaluated, and the functional significance of this variant is currently unknown. In summary, the available evidence is currently insufficient to determine the role of this variant in disease. Therefore, it has been classified as a Variant of Uncertain Significance.